The following is an entry in ClinVar:

NM_003079.5(SMARCE1):c.1058G>A (p.Ser353Asn)

Gene: SMARCE1 (SWI/SNF related BAF chromatin remodeling complex subunit E1; minus strand). Cytogenetic location: 17q21.2.
Variant type: single nucleotide variant.
Coding change: c.1058G>A on transcript NM_003079.5 (MANE Select); coding-DNA position 1058, G replaced by A.
Protein change: p.Ser353Asn; replaces serine 353 with asparagine.
Molecular consequence: missense variant.
Genome position (GRCh38, 1-based): chr17:40,628,963, C>T on the plus strand (G>A on the coding strand, the complement: SMARCE1 is on the minus strand). VCF-style: chr17-40628963-C-T. GRCh37 (hg19) VCF-style: chr17-38785215-C-T.
Other names: c.1058G>A (NM_003079.4); short protein forms S353N.
Identifiers: ClinVar variation 1411035 (VCV001411035.9), dbSNP rs2143980847, ClinGen allele CA399361679.
Genomic context (GRCh38, chr17:40,628,963, plus strand): 5'-CCCTCCTGCCCACTCTCCTTGTCCTCAGGAGTAGACGTGCCTTCTTCACCATTCTGTTGG[C>T]TCTCTGTTGTTTCTTCAAGGTGTGTCTCCTCTGTAATCACACATTTGTCACTGTCAGTTC-3'
Protein context (NP_003070.3, residues 343-363): EETHLEETTE[Ser353Asn]QQNGEEGTST

ClinVar aggregate classification (germline): Uncertain significance. Review status: criteria provided, multiple submitters, no conflicts (2 of 4 stars). 2 submissions from 2 submitters: Uncertain significance (2). Last evaluated 2025-03-15.

Conditions:
Hereditary cancer-predisposing syndrome. Also called: Hereditary Cancer Syndrome; Tumor predisposition; Hereditary neoplastic syndrome; Neoplastic Syndromes, Hereditary. Identifiers: Orphanet 140162, MedGen C0027672, MeSH D009386, MONDO:0015356.
Familial meningioma. Also called: Meningioma, familial, susceptibility to. Identifiers: Orphanet 263662, MedGen C3551915, MONDO:0011789, OMIM 607174.

Submissions (2):

Ambry Genetics
Classification: Uncertain significance for Hereditary cancer-predisposing syndrome. Last evaluated: 2025-03-15. Review status: criteria provided, single submitter. Criteria: Ambry Variant Classification Scheme 2023. Collection method: clinical testing. Allele origin: germline.
Comment: The p.S353N variant (also known as c.1058G>A), located in coding exon 10 of the SMARCE1 gene, results from a G to A substitution at nucleotide position 1058. The serine at codon 353 is replaced by asparagine, an amino acid with highly similar properties. This amino acid position is conserved. In addition, this alteration is predicted to be tolerated by in silico analysis. Based on the available evidence, the clinical significance of this variant remains unclear.

Labcorp Genetics (formerly Invitae), Labcorp
Classification: Uncertain significance for Familial meningioma. Last evaluated: 2023-05-22. Review status: criteria provided, single submitter. Criteria: Invitae Variant Classification Sherloc (09022015). Collection method: clinical testing. Allele origin: germline.
Comment: This variant has not been reported in the literature in individuals affected with SMARCE1-related conditions. This variant is not present in population databases (gnomAD no frequency). This sequence change replaces serine, which is neutral and polar, with asparagine, which is neutral and polar, at codon 353 of the SMARCE1 protein (p.Ser353Asn). ClinVar contains an entry for this variant (Variation ID: 1411035). Advanced modeling of protein sequence and biophysical properties (such as structural, functional, and spatial information, amino acid conservation, physicochemical variation, residue mobility, and thermodynamic stability) performed at Invitae indicates that this missense variant is not expected to disrupt SMARCE1 protein function. In summary, the available evidence is currently insufficient to determine the role of this variant in disease. Therefore, it has been classified as a Variant of Uncertain Significance.